The following is an entry in ClinVar:

ClinVar aggregate classification (germline): Conflicting classifications of pathogenicity. Review status: criteria provided, conflicting classifications (1 of 4 stars). 3 submissions from 3 submitters: Uncertain significance (1); Likely benign (2). Last evaluated 2025-09-20.

Conditions:
CFAP410-related disorder. Also called: CFAP410-related condition.

Allele frequency attached by ClinVar (database versions not stated): TOPMed 0.00001; gnomAD 0.00004 and 0.00005; gnomAD exomes 0.00005 and 0.00006; ExAC 0.00006.

Submissions (3):

PreventionGenetics, part of Exact Sciences
Classification: Likely benign for CFAP410-related condition. Last evaluated: 2025-09-20. Review status: criteria provided, single submitter. Criteria: ACMG Guidelines, 2015. Collection method: clinical testing. Allele origin: germline.
Comment: This variant is classified as likely benign based on ACMG/AMP sequence variant interpretation guidelines (Richards et al. 2015 PMID: 25741868, with internal and published modifications).

Blueprint Genetics
Classification: Likely benign. Last evaluated: 2021-03-12. Review status: criteria provided, single submitter. Criteria: ACMG Guidelines, 2015. Collection method: clinical testing. Allele origin: germline.

Labcorp Genetics (formerly Invitae), Labcorp
Classification: Uncertain significance. Last evaluated: 2020-10-18. Review status: criteria provided, single submitter. Criteria: Invitae Variant Classification Sherloc (09022015). Collection method: clinical testing. Allele origin: germline.
Comment: This sequence change falls in intron 5 of the CFAP410 gene. It does not directly change the encoded amino acid sequence of the CFAP410 protein, but it affects a nucleotide within the consensus splice site of the intron. This variant is present in population databases (rs751163294, ExAC 0.1%). This variant has not been reported in the literature in individuals with CFAP410-related conditions. Nucleotide substitutions within the consensus splice site are a relatively common cause of aberrant splicing (PMID: 17576681, 9536098). Algorithms developed to predict the effect of sequence changes on RNA splicing suggest that this variant is not likely to affect RNA splicing, but this prediction has not been confirmed by published transcriptional studies. In summary, the available evidence is currently insufficient to determine the role of this variant in disease. Therefore, it has been classified as a Variant of Uncertain Significance.

Literature cited by the submitters: PubMed 17576681 (cited by Labcorp Genetics (formerly Invitae), Labcorp); PubMed 9536098 (cited by Labcorp Genetics (formerly Invitae), Labcorp).

NM_004928.3(CFAP410):c.545+6G>A

Gene: CFAP410 (cilia and flagella associated protein 410; minus strand). Cytogenetic location: 21q22.3.
Variant type: single nucleotide variant.
Coding change: c.545+6G>A on transcript NM_004928.3 (MANE Select); 6 bases into the intron after coding-DNA position 545, G replaced by A.
Molecular consequence: intron variant.
Genome position (GRCh38, 1-based): chr21:44,331,837, C>T on the plus strand (G>A on the coding strand, the complement: CFAP410 is on the minus strand). VCF-style: chr21-44331837-C-T. GRCh37 (hg19) VCF-style: chr21-45751720-C-T.
Other names: c.545+6G>A (NM_001271440.2, NM_001271441.2); c.422+6G>A (NM_001271442.1).
Identifiers: ClinVar variation 853169 (VCV000853169.11), dbSNP rs751163294, ClinGen allele CA10053634.
Genomic context (GRCh38, chr21:44,331,837, plus strand): 5'-CTCCCCGTGGGAGGACCCTGGGGGACAGGGATGGGCTGCGGAGTCCCCGCTGCCCTCCAG[C>T]CTCACGTTGCCTCCTCCTCGCTGTCCAGCGGGTCCCGGCCAGTCTCAGCAGCGGAGCTGA-3'